The following is an entry in ClinVar:

NM_004606.5(TAF1):c.1147A>G (p.Ile383Val)

Gene: TAF1 (TATA-box binding protein associated factor 1; plus strand). Cytogenetic location: Xq13.1.
Variant type: single nucleotide variant.
Coding change: c.1147A>G on transcript NM_004606.5 (MANE Select); coding-DNA position 1147, A replaced by G.
Protein change: p.Ile383Val; replaces isoleucine 383 with valine.
Molecular consequence: missense variant. On other transcripts: non-coding transcript variant (9).
Genome position (GRCh38, 1-based): chrX:71,378,448, A>G. VCF-style: chrX-71378448-A-G. GRCh37 (hg19) VCF-style: chrX-70598298-A-G.
Other names: c.1147A>G, p.Ile383Val (NM_001286074.2); c.1084A>G, p.Ile362Val (NM_138923.4); short protein forms I362V, I383V.
Identifiers: ClinVar variation 2883294 (VCV002883294.3), dbSNP rs774265191, ClinGen allele CA10446665.

ClinVar aggregate classification (germline): Uncertain significance (1 of 4 stars; one submission).

Allele frequency attached by ClinVar (database versions not stated): gnomAD exomes below 0.00001; ExAC 0.00001.
gnomAD v4.1: 3 of 1,211,520 alleles (0.00025%); highest among the groups gnomAD compares: Middle Eastern, 0.023%; no homozygotes.

Submission:

Labcorp Genetics (formerly Invitae), Labcorp
Classification: Uncertain significance. Last evaluated: 2023-11-15. Review status: criteria provided, single submitter. Criteria: Invitae Variant Classification Sherloc (09022015). Collection method: clinical testing. Allele origin: germline.
Comment: This sequence change replaces isoleucine, which is neutral and non-polar, with valine, which is neutral and non-polar, at codon 403 of the TAF1 protein (p.Ile403Val). This variant is present in population databases (rs774265191, gnomAD 0.004%). This variant has not been reported in the literature in individuals affected with TAF1-related conditions. Algorithms developed to predict the effect of missense changes on protein structure and function output the following: SIFT: "Not Available"; PolyPhen-2: "Benign"; Align-GVGD: "Not Available". The valine amino acid residue is found in multiple mammalian species, which suggests that this missense change does not adversely affect protein function. In summary, the available evidence is currently insufficient to determine the role of this variant in disease. Therefore, it has been classified as a Variant of Uncertain Significance.